The following is an entry in ClinVar:

ClinVar aggregate classification (germline): Uncertain significance. Review status: criteria provided, multiple submitters, no conflicts (2 of 4 stars). 2 submissions from 2 submitters: Uncertain significance (2). Last evaluated 2024-07-10.

Allele frequency attached by ClinVar (database versions not stated): ESP Exome Variant Server 0.00008; gnomAD 0.00008; TOPMed 0.00008; gnomAD exomes 0.00016; ExAC 0.00020.
gnomAD v4.1: 252 of 1,613,540 alleles (0.016%); highest among the groups gnomAD compares: South Asian, 0.12%; 2 homozygotes.

Submissions (2):

Ambry Genetics
Classification: Uncertain significance. Last evaluated: 2024-07-10. Review status: criteria provided, single submitter. Criteria: Ambry Variant Classification Scheme 2023. Collection method: clinical testing. Allele origin: germline.

Labcorp Genetics (formerly Invitae), Labcorp
Classification: Uncertain significance. Last evaluated: 2024-05-07. Review status: criteria provided, single submitter. Criteria: Invitae Variant Classification Sherloc (09022015). Collection method: clinical testing. Allele origin: germline.
Comment: This sequence change replaces arginine, which is basic and polar, with cysteine, which is neutral and slightly polar, at codon 454 of the PCK2 protein (p.Arg454Cys). This variant is present in population databases (rs200079405, gnomAD 0.1%), and has an allele count higher than expected for a pathogenic variant. This variant has not been reported in the literature in individuals affected with PCK2-related conditions. ClinVar contains an entry for this variant (Variation ID: 2345970). Advanced modeling of protein sequence and biophysical properties (such as structural, functional, and spatial information, amino acid conservation, physicochemical variation, residue mobility, and thermodynamic stability) performed at Invitae indicates that this missense variant is expected to disrupt PCK2 protein function with a positive predictive value of 80%. In summary, the available evidence is currently insufficient to determine the role of this variant in disease. Therefore, it has been classified as a Variant of Uncertain Significance.

NM_004563.4(PCK2):c.1360C>T (p.Arg454Cys)

Genes: NRL (neural retina leucine zipper; minus strand), PCK2 (phosphoenolpyruvate carboxykinase 2, mitochondrial; plus strand). Cytogenetic location: 14q12.
Variant type: single nucleotide variant.
Coding change: c.1360C>T on transcript NM_004563.4 (MANE Select); coding-DNA position 1360, C replaced by T.
Protein change: p.Arg454Cys; replaces arginine 454 with cysteine.
Molecular consequence: missense variant. On other transcripts: intron variant (3).
Genome position (GRCh38, 1-based): chr14:24,102,878, C>T. VCF-style: chr14-24102878-C-T. GRCh37 (hg19) VCF-style: chr14-24572087-C-T.
Other names: c.958C>T, p.Arg320Cys (NM_001291556.2, NM_001308054.2); c.-28+11844G>A (NM_001354768.3, NM_001354770.2); c.-254+11844G>A (NM_006177.5); short protein forms R454C, R320C.
Identifiers: ClinVar variation 2345970 (VCV002345970.5), dbSNP rs200079405, ClinGen allele CA7123454.